The following is an entry in ClinVar:

NM_001330723.2(SNX27):c.1578+2_1578+3dup

Gene: SNX27 (sorting nexin 27; plus strand). Cytogenetic location: 1q21.3.
Variant type: Duplication.
Coding change: c.1578+2_1578+3dup on transcript NM_001330723.2 (MANE Select); the canonical splice donor site of the intron after coding-DNA position 1578 through 3 bases into the intron after coding-DNA position 1578, 2 bases duplicated (TA; older notation c.1578+2_1578+3dupTA).
Molecular consequence: splice donor variant.
Genome position (GRCh38, 1-based): chr1:151,693,485-151,693,486, TA duplicated. VCF-style (leftmost placement, unchanged base first): chr1-151693484-G-GTA. GRCh37 (hg19) VCF-style: chr1-151665960-G-GTA.
Other names: c.1578+2_1578+3dup (NM_030918.6).
Identifiers: ClinVar variation 1442045 (VCV001442045.4), dbSNP rs779581923, ClinGen allele CA1093719.

ClinVar aggregate classification (germline): Uncertain significance (1 of 4 stars; one submission).

Conditions:
Severe myoclonic epilepsy in infancy (DRVT). Also called: Epileptic encephalopathy, early infantile, 6 (Dravet syndrome); SEVERE MYOCLONIC EPILEPSY OF INFANCY; DEVELOPMENTAL AND EPILEPTIC ENCEPHALOPATHY 6A; Severe Myoclonic Epilepsy in Infancy (SMEI); Dravet syndrome. Identifiers: Orphanet 33069, MedGen C0751122, MONDO:0100135, OMIM 607208.

Allele frequency attached by ClinVar (database versions not stated): gnomAD exomes 0.00002 and 0.00004; TOPMed 0.00002; gnomAD 0.00005; ExAC 0.00006; ESP Exome Variant Server 0.00008; 1000 Genomes Project 30x 0.00016.

Submission:

Labcorp Genetics (formerly Invitae), Labcorp
Classification: Uncertain significance for Severe myoclonic epilepsy in infancy. Last evaluated: 2022-08-04. Review status: criteria provided, single submitter. Criteria: Invitae Variant Classification Sherloc (09022015). Collection method: clinical testing. Allele origin: germline.
Comment: This variant is present in population databases (rs779581923, gnomAD 0.02%). This sequence change falls in intron 11 of the SNX27 gene. It does not directly change the encoded amino acid sequence of the SNX27 protein. It affects a nucleotide within the consensus splice site. This variant has not been reported in the literature in individuals affected with SNX27-related conditions. ClinVar contains an entry for this variant (Variation ID: 1442045). Variants that disrupt the consensus splice site are a relatively common cause of aberrant splicing (PMID: 17576681, 9536098). Algorithms developed to predict the effect of sequence changes on RNA splicing suggest that this variant may disrupt the consensus splice site. In summary, the available evidence is currently insufficient to determine the role of this variant in disease. Therefore, it has been classified as a Variant of Uncertain Significance.

Literature cited by the submitters: PubMed 17576681; PubMed 9536098.